The following is an entry in ClinVar:

NM_001004334.4(GPR179):c.6697A>G (p.Lys2233Glu)

Gene: GPR179 (G protein-coupled receptor 179; minus strand). Cytogenetic location: 17q12.
Variant type: single nucleotide variant.
Coding change: c.6697A>G on transcript NM_001004334.4 (MANE Select); coding-DNA position 6697, A replaced by G.
Protein change: p.Lys2233Glu; replaces lysine 2233 with glutamic acid.
Molecular consequence: missense variant.
Genome position (GRCh38, 1-based): chr17:38,326,872, T>C on the plus strand (A>G on the coding strand, the complement: GPR179 is on the minus strand). VCF-style: chr17-38326872-T-C. GRCh37 (hg19) VCF-style: chr17-36482755-T-C.
Other names: c.6697A>G (NM_001004334.2); short protein forms K2233E.
Identifiers: ClinVar variation 1417662 (VCV001417662.31), dbSNP rs375908513, ClinGen allele CA290102850.

ClinVar aggregate classification (germline): Conflicting classifications of pathogenicity. Review status: criteria provided, conflicting classifications (1 of 4 stars). 4 submissions from 4 submitters: Uncertain significance (3); Likely benign (1). Last evaluated 2025-08-24.

Conditions:
Inborn genetic diseases. Identifiers: MedGen C0950123, MeSH D030342.

Allele frequency attached by ClinVar (database versions not stated): gnomAD 0.00003 and 0.00004; 1000 Genomes Project 30x 0.00016; 1000 Genomes Project 0.00020.
gnomAD v4.1: 24 of 1,614,214 alleles (0.0015%); highest among the groups gnomAD compares: Middle Eastern, 0.033%; no homozygotes.

Submissions (4):

Ambry Genetics
Classification: Uncertain significance for Inborn genetic diseases. Last evaluated: 2025-08-24. Review status: criteria provided, single submitter. Criteria: Ambry Variant Classification Scheme 2023. Collection method: clinical testing. Allele origin: germline.

Blueprint Genetics
Classification: Uncertain significance. Last evaluated: 2024-03-14. Review status: criteria provided, single submitter. Criteria: ACMG Guidelines, 2015. Collection method: clinical testing. Allele origin: germline.

Labcorp Genetics (formerly Invitae), Labcorp
Classification: Uncertain significance. Last evaluated: 2023-07-03. Review status: criteria provided, single submitter. Criteria: Invitae Variant Classification Sherloc (09022015). Collection method: clinical testing. Allele origin: germline.
Comment: In summary, the available evidence is currently insufficient to determine the role of this variant in disease. Therefore, it has been classified as a Variant of Uncertain Significance. Algorithms developed to predict the effect of missense changes on protein structure and function output the following: SIFT: "Not Available"; PolyPhen-2: "Benign"; Align-GVGD: "Not Available". The glutamic acid amino acid residue is found in multiple mammalian species, which suggests that this missense change does not adversely affect protein function. ClinVar contains an entry for this variant (Variation ID: 1417662). This variant has not been reported in the literature in individuals affected with GPR179-related conditions. This variant is present in population databases (rs375908513, gnomAD 0.01%). This sequence change replaces lysine, which is basic and polar, with glutamic acid, which is acidic and polar, at codon 2233 of the GPR179 protein (p.Lys2233Glu).

CeGaT Center for Human Genetics Tuebingen
Classification: Likely benign. Last evaluated: 2023-02-01. Review status: criteria provided, single submitter. Criteria: CeGaT Center For Human Genetics Tuebingen Variant Classification Criteria Version 2. Collection method: clinical testing. Allele origin: germline. Affected: yes. Observed: 1 variant allele.
Comment: GPR179: BP4